The following is an entry in ClinVar:

ClinVar aggregate classification (germline): Conflicting classifications of pathogenicity. Review status: criteria provided, conflicting classifications (1 of 4 stars). 5 submissions from 5 submitters: Uncertain significance (1); Benign (3); Likely benign (1). Last evaluated 2026-02-04.

Conditions:
Donnai-Barrow syndrome. Also called: DBS/FOAR SYNDROME; FACIOOCULOACOUSTICORENAL SYNDROME. Identifiers: Orphanet 2143, MedGen C1857277, MONDO:0009104, OMIM 222448.
Methylmalonic aciduria and homocystinuria type cblF. Also called: METHYLMALONIC ACIDEMIA AND HOMOCYSTINURIA, cblF TYPE; METHYLMALONIC ACIDURIA DUE TO VITAMIN B12-RELEASE DEFECT; VITAMIN B12 LYSOSOMAL RELEASE DEFECT; VITAMIN B12 STORAGE DISEASE; COBALAMIN F DISEASE; COBALAMIN, DEFECT IN LYSOSOMAL RELEASE OF. Identifiers: Orphanet 79284, MedGen C1848578, MONDO:0010183, OMIM 277380.

Submissions (5):

Labcorp Genetics (formerly Invitae), Labcorp
Classification: Benign for Methylmalonic aciduria and homocystinuria type cblF. Last evaluated: 2026-02-04. Review status: criteria provided, single submitter. Criteria: Invitae Variant Classification Sherloc (09022015). Collection method: clinical testing. Allele origin: germline.

Mayo Clinic Laboratories, Mayo Clinic
Classification: Likely benign. Last evaluated: 2025-08-20. Review status: criteria provided, single submitter. Criteria: ACMG Guidelines, 2015. Collection method: clinical testing. Allele origin: germline. Observed: 1 variant allele.
Comment: BA1, BS2, BP7

ARUP Laboratories, Molecular Genetics and Genomics, ARUP Laboratories
Classification: Benign for Methylmalonic aciduria and homocystinuria type cblF. Last evaluated: 2023-08-21. Review status: criteria provided, single submitter. Criteria: ARUP Molecular Germline Variant Investigation Process 2024. Collection method: clinical testing. Allele origin: germline.

GeneDx
Classification: Benign. Last evaluated: 2018-05-17. Review status: criteria provided, single submitter. Criteria: GeneDx Variant Classification Process June 2021. Collection method: clinical testing. Allele origin: germline. Affected: yes.

Soonchunhyang University Bucheon Hospital, Soonchunhyang University Medical Center
Classification: Uncertain significance for Donnai-Barrow syndrome. Last evaluated: 2016-03-18. Review status: criteria provided, single submitter. Criteria: ACMG Guidelines, 2015. Collection method: reference population. Allele origin: germline. Observed: 2 variant alleles.

Literature cited by the submitters: PubMed 35361390 (cited by Mayo Clinic Laboratories, Mayo Clinic); PubMed 19136951 (cited by Soonchunhyang University Bucheon Hospital, Soonchunhyang University Medical Center).

NM_018368.4(LMBRD1):c.981-10dup

Gene: LMBRD1 (LMBR1 domain containing 1; minus strand). Cytogenetic location: 6q13.
Variant type: Duplication.
Coding change: c.981-10dup on transcript NM_018368.4 (MANE Select); 10 bases into the intron before coding-DNA position 981, one base duplicated (T; older notation c.981-10dupT).
Molecular consequence: intron variant.
Genome position (GRCh38, 1-based): chr6:69,701,548, A duplicated on the plus strand (T on the coding strand, the reverse complement: LMBRD1 is on the minus strand); the first of 8 consecutive A bases (chr6:69,701,548-69,701,555); duplicating any one gives the same sequence. VCF-style (leftmost placement, unchanged base first): chr6-69701547-T-TA. GRCh37 (hg19) VCF-style: chr6-70411439-T-TA.
Other names: p.?; c.981-3dupT (NM_018368.3); c.762-10dup (NM_001367272.1, NM_001367271.1, NM_001363722.2); c.981-3dup (NM_018368.4).
Identifiers: ClinVar variation 225404 (VCV000225404.18), dbSNP rs202207965, ClinGen allele CA3879707.